The following is an entry in ClinVar:

ClinVar aggregate classification (germline): Uncertain significance (1 of 4 stars; one submission).

Allele frequency attached by ClinVar (database versions not stated): ESP Exome Variant Server 0.00008.
gnomAD v4.1: 3 of 1,613,870 alleles (0.00019%); highest among the groups gnomAD compares: Non-Finnish European, 0.00017%; no homozygotes.

Submission:

Labcorp Genetics (formerly Invitae), Labcorp
Classification: Uncertain significance. Last evaluated: 2023-04-07. Review status: criteria provided, single submitter. Criteria: Invitae Variant Classification Sherloc (09022015). Collection method: clinical testing. Allele origin: germline.
Comment: In summary, the available evidence is currently insufficient to determine the role of this variant in disease. Therefore, it has been classified as a Variant of Uncertain Significance. An algorithm developed to predict the effect of missense changes on protein structure and function (PolyPhen-2) suggests that this variant is likely to be disruptive. This variant has not been reported in the literature in individuals affected with ZNF687-related conditions. This variant is present in population databases (rs370066362, gnomAD no frequency). This sequence change replaces glutamic acid, which is acidic and polar, with lysine, which is basic and polar, at codon 1042 of the ZNF687 protein (p.Glu1042Lys).

NM_020832.3(ZNF687):c.3124G>A (p.Glu1042Lys)

Gene: ZNF687 (zinc finger protein 687; plus strand). Cytogenetic location: 1q21.3.
Variant type: single nucleotide variant.
Coding change: c.3124G>A on transcript NM_020832.3 (MANE Select); coding-DNA position 3124, G replaced by A.
Protein change: p.Glu1042Lys; replaces glutamic acid 1042 with lysine.
Molecular consequence: missense variant.
Genome position (GRCh38, 1-based): chr1:151,290,478, G>A. VCF-style: chr1-151290478-G-A. GRCh37 (hg19) VCF-style: chr1-151262954-G-A.
Other names: c.3124G>A, p.Glu1042Lys (NM_001304763.2, NM_001304764.2); short protein forms E1042K.
Identifiers: ClinVar variation 3017271 (VCV003017271.3), dbSNP rs370066362, ClinGen allele CA29524008.